The following is an entry in ClinVar:

ClinVar aggregate classification (germline): Conflicting classifications of pathogenicity. Review status: criteria provided, conflicting classifications (1 of 4 stars). 2 submissions from 2 submitters: Likely pathogenic (1); Uncertain significance (1). Last evaluated 2024-07-09.

Conditions:
Early-infantile DEE. Also called: Early infantile epileptic encephalopathy; Early infantile epileptic encephalopathy with suppression bursts; Ohtahara syndrome. Identifiers: Orphanet 1934, MedGen C0393706, MONDO:0800491.

Allele frequency attached by ClinVar (database versions not stated): gnomAD exomes 0.00001; gnomAD 0.00001; 1000 Genomes Project 30x 0.00016; 1000 Genomes Project 0.00020.
gnomAD v4.1: 7 of 1,613,950 alleles (0.00043%); highest among the groups gnomAD compares: South Asian, 0.0033%; no homozygotes.

Submissions (2):

GeneDx
Classification: Uncertain significance. Last evaluated: 2024-07-09. Review status: criteria provided, single submitter. Criteria: GeneDx Variant Classification Process June 2021. Collection method: clinical testing. Allele origin: germline. Affected: yes.
Comment: In silico analysis supports that this missense variant has a deleterious effect on protein structure/function; Missense variant in a gene in which most reported pathogenic variants are truncating/loss of function; Has not been previously published as pathogenic or benign to our knowledge

Labcorp Genetics (formerly Invitae), Labcorp
Classification: Likely pathogenic for Early-infantile DEE. Last evaluated: 2022-05-13. Review status: criteria provided, single submitter. Criteria: Invitae Variant Classification Sherloc (09022015). Collection method: clinical testing. Allele origin: germline.
Comment: In summary, the currently available evidence indicates that the variant is pathogenic, but additional data are needed to prove that conclusively. Therefore, this variant has been classified as Likely Pathogenic. Algorithms developed to predict the effect of missense changes on protein structure and function are either unavailable or do not agree on the potential impact of this missense change (SIFT: "Deleterious"; PolyPhen-2: "Possibly Damaging"; Align-GVGD: "Class C0"). This missense change has been observed in individual(s) with clinical features of SPTAN1-related conditions (Invitae). In at least one individual the variant was observed to be de novo. This variant is present in population databases (rs567000546, gnomAD 0.006%). This sequence change replaces alanine, which is neutral and non-polar, with valine, which is neutral and non-polar, at codon 1100 of the SPTAN1 protein (p.Ala1100Val).

NM_001130438.3(SPTAN1):c.3299C>T (p.Ala1100Val)

Gene: SPTAN1 (spectrin alpha, non-erythrocytic 1; plus strand). Cytogenetic location: 9q34.11.
Variant type: single nucleotide variant.
Coding change: c.3299C>T on transcript NM_001130438.3 (MANE Select); coding-DNA position 3299, C replaced by T.
Protein change: p.Ala1100Val; replaces alanine 1100 with valine.
Molecular consequence: missense variant.
Genome position (GRCh38, 1-based): chr9:128,594,258, C>T. VCF-style: chr9-128594258-C-T. GRCh37 (hg19) VCF-style: chr9-131356537-C-T.
Other names: c.3299C>T (NM_001130438.2); c.3239C>T, p.Ala1080Val (NM_001195532.2, NM_001363765.2, NM_001375314.2); c.3299C>T, p.Ala1100Val (NM_001363759.2, NM_001375310.1, NM_001375311.2 and 2 more transcripts); c.3335C>T, p.Ala1112Val (NM_001375312.2, NM_001375318.1); short protein forms A1080V, A1112V, A1100V.
Identifiers: ClinVar variation 2106740 (VCV002106740.5), dbSNP rs567000546, ClinGen allele CA200390015.